The following is an entry in ClinVar:

NM_001128228.3(TPRN):c.1952C>T (p.Pro651Leu)

Gene: TPRN (taperin; minus strand). Cytogenetic location: 9q34.3.
Variant type: single nucleotide variant.
Coding change: c.1952C>T on transcript NM_001128228.3 (MANE Select); coding-DNA position 1952, C replaced by T.
Protein change: p.Pro651Leu; replaces proline 651 with leucine.
Molecular consequence: missense variant.
Genome position (GRCh38, 1-based): chr9:137,192,465, G>A on the plus strand (C>T on the coding strand, the complement: TPRN is on the minus strand). VCF-style: chr9-137192465-G-A. GRCh37 (hg19) VCF-style: chr9-140086917-G-A.
Other names: c.1952C>T (NM_001128228.2); short protein forms P651L.
Identifiers: ClinVar variation 2181540 (VCV002181540.5), dbSNP rs762943906, ClinGen allele CA5362582.

ClinVar aggregate classification (germline): Uncertain significance. Review status: criteria provided, multiple submitters, no conflicts (2 of 4 stars). 2 submissions from 2 submitters: Uncertain significance (2). Last evaluated 2025-09-27.

Conditions:
Inborn genetic diseases. Identifiers: MedGen C0950123, MeSH D030342.

Allele frequency attached by ClinVar (database versions not stated): TOPMed 0.00001; ExAC 0.00002.
gnomAD v4.1: 6 of 1,606,492 alleles (0.00037%); highest among the groups gnomAD compares: Admixed American, 0.01%; no homozygotes.

Submissions (2):

Ambry Genetics
Classification: Uncertain significance for Inborn genetic diseases. Last evaluated: 2025-09-27. Review status: criteria provided, single submitter. Criteria: Ambry Variant Classification Scheme 2023. Collection method: clinical testing. Allele origin: germline.

Labcorp Genetics (formerly Invitae), Labcorp
Classification: Uncertain significance. Last evaluated: 2022-04-01. Review status: criteria provided, single submitter. Criteria: Invitae Variant Classification Sherloc (09022015). Collection method: clinical testing. Allele origin: germline.
Comment: This sequence change replaces proline, which is neutral and non-polar, with leucine, which is neutral and non-polar, at codon 651 of the TPRN protein (p.Pro651Leu). This variant is present in population databases (rs762943906, gnomAD 0.02%). This variant has not been reported in the literature in individuals affected with TPRN-related conditions. Algorithms developed to predict the effect of missense changes on protein structure and function output the following: SIFT: "Deleterious"; PolyPhen-2: "Benign"; Align-GVGD: "Class C0". The leucine amino acid residue is found in multiple mammalian species, which suggests that this missense change does not adversely affect protein function. In summary, the available evidence is currently insufficient to determine the role of this variant in disease. Therefore, it has been classified as a Variant of Uncertain Significance.